The following is an entry in ClinVar:

ClinVar aggregate classification (germline): Likely benign. Review status: criteria provided, multiple submitters, no conflicts (2 of 4 stars). 4 submissions from 4 submitters: Likely benign (4). Last evaluated 2026-03-24.

Conditions:
Osteoporosis. Identifiers: MedGen C0029456, MONDO:0005298, OMIM 166710, HP:0000939.
Exudative vitreoretinopathy 1 (EVR1). Also called: CRISWICK-SCHEPENS SYNDROME; FEVR, AUTOSOMAL DOMINANT; Familial exudative vitreoretinopathy, autosomal dominant. Identifiers: Orphanet 891, Orphanet 90050, MedGen C1851402, MONDO:0007589, OMIM 133780.
Autosomal dominant osteopetrosis 1 (OPTA1). Also called: OSTEOPETROSIS, AUTOSOMAL DOMINANT, TYPE I. Identifiers: Orphanet 2783, MedGen C1843330, MONDO:0011877, OMIM 607634.
Bone mineral density quantitative trait locus 1 (BMND1). Identifiers: MedGen C1866079, OMIM 601884.
Worth disease. Also called: ENDOSTEAL HYPEROSTOSIS, AUTOSOMAL DOMINANT; Autosomal dominant osteosclerosis, Worth type; OSTEOSCLEROSIS, AUTOSOMAL DOMINANT. Identifiers: Orphanet 2790, MedGen C0432273, MONDO:0007764, OMIM 144750.
Exudative vitreoretinopathy 4 (EVR4). Identifiers: Orphanet 891, MedGen C1866176, MONDO:0011151, OMIM 601813.
Osteoporosis with pseudoglioma (OPPG). Also called: osteoporosis-pseudoglioma syndrome. Identifiers: Orphanet 2788, MedGen C0432252, MONDO:0009820, OMIM 259770.
Polycystic liver disease 4 with or without kidney cysts. Identifiers: MedGen C4693479, MONDO:0044327, OMIM 617875.
LRP5-related disorder. Also called: LRP5-related condition.

Allele frequency attached by ClinVar (database versions not stated): ExAC 0.00002; gnomAD exomes 0.00002 and 0.00005; gnomAD 0.00003 and 0.00004; TOPMed 0.00005; ESP Exome Variant Server 0.00008; 1000 Genomes Project 30x 0.00016; 1000 Genomes Project 0.00020.
gnomAD v4.1: 78 of 1,613,936 alleles (0.0048%); highest among the groups gnomAD compares: Non-Finnish European, 0.0062%; no homozygotes.

Submissions (4):

PreventionGenetics, part of Exact Sciences
Classification: Likely benign for LRP5-related condition. Last evaluated: 2026-03-24. Review status: criteria provided, single submitter. Criteria: ACMG Guidelines, 2015. Collection method: clinical testing. Allele origin: germline.
Comment: This variant is classified as likely benign based on ACMG/AMP sequence variant interpretation guidelines (Richards et al. 2015 PMID: 25741868, with internal and published modifications).

Labcorp Genetics (formerly Invitae), Labcorp
Classification: Likely benign. Last evaluated: 2025-06-24. Review status: criteria provided, single submitter. Criteria: Invitae Variant Classification Sherloc (09022015). Collection method: clinical testing. Allele origin: germline.

Blueprint Genetics
Classification: Likely benign. Last evaluated: 2023-10-05. Review status: criteria provided, single submitter. Criteria: ACMG Guidelines, 2015. Collection method: clinical testing. Allele origin: germline.

Fulgent Genetics
Classification: Likely benign for Exudative vitreoretinopathy 1; Worth disease; Osteoporosis; Osteoporosis with pseudoglioma; Exudative vitreoretinopathy 4; Bone mineral density quantitative trait locus 1; Autosomal dominant osteopetrosis 1; Polycystic liver disease 4 with or without kidney cysts. Last evaluated: 2022-03-23. Review status: criteria provided, single submitter. Criteria: ACMG Guidelines, 2015. Collection method: clinical testing. Allele origin: unknown.

NM_002335.4(LRP5):c.4068C>T (p.Asp1356=)

Gene: LRP5 (LDL receptor related protein 5; plus strand). Cytogenetic location: 11q13.2.
Variant type: single nucleotide variant.
Coding change: c.4068C>T on transcript NM_002335.4 (MANE Select); coding-DNA position 4068, C replaced by T.
Protein change: p.Asp1356=; no amino-acid change (aspartic acid 1356 retained).
Molecular consequence: synonymous variant.
Genome position (GRCh38, 1-based): chr11:68,436,956, C>T. VCF-style: chr11-68436956-C-T. GRCh37 (hg19) VCF-style: chr11-68204424-C-T.
Other names: c.4068C>T (NM_002335.3); c.2325C>T, p.Asp775= (NM_001291902.2).
Identifiers: ClinVar variation 1153845 (VCV001153845.12), dbSNP rs367555198, ClinGen allele CA6150221.